The following is an entry in ClinVar:

NM_002184.4(IL6ST):c.2701A>G (p.Met901Val)

Gene: IL6ST (interleukin 6 cytokine family signal transducer; minus strand). Cytogenetic location: 5q11.2.
Variant type: single nucleotide variant.
Coding change: c.2701A>G on transcript NM_002184.4 (MANE Select); coding-DNA position 2701, A replaced by G.
Protein change: p.Met901Val; replaces methionine 901 with valine.
Molecular consequence: missense variant. On other transcripts: 3 prime UTR variant (1), non-coding transcript variant (2).
Genome position (GRCh38, 1-based): chr5:55,941,138, T>C on the plus strand (A>G on the coding strand, the complement: IL6ST is on the minus strand). VCF-style: chr5-55941138-T-C. GRCh37 (hg19) VCF-style: chr5-55236966-T-C.
Other names: c.2518A>G, p.Met840Val (NM_001190981.2); c.2599A>G, p.Met867Val (NM_001364275.2); c.2491A>G, p.Met831Val (NM_001364276.2); c.1834A>G, p.Met612Val (NM_001364277.2); c.1798A>G, p.Met600Val (NM_001364278.2); c.1705A>G, p.Met569Val (NM_001364279.2); c.*1628A>G (NM_175767.3); short protein forms M840V, M901V, M569V, M600V, M867V, M612V, M831V.
Identifiers: ClinVar variation 3655940 (VCV003655940.2).
Genomic context (GRCh38, chr5:55,941,138, plus strand): 5'-TCCTTCACTGAGGCATGTAGCCGCCTTGCCGTACAGTCTGTGGTAAGTAACTTTTAGGCA[T>C]GCCTTCATCAGTCGCAGCCTCCATGCCAACTGTTTCAAATCTTTCTACTTGTCCCTCAGT-3'
Protein context (NP_002175.2, residues 891-911): VGMEAATDEG[Met901Val]PKSYLPQTVR

ClinVar aggregate classification (germline): Uncertain significance (1 of 4 stars; one submission).

gnomAD v4.1: 4 of 1,613,942 alleles (0.00025%); highest among the groups gnomAD compares: Middle Eastern, 0.033%; no homozygotes.

Submission:

Labcorp Genetics (formerly Invitae), Labcorp
Classification: Uncertain significance. Last evaluated: 2024-03-26. Review status: criteria provided, single submitter. Criteria: Invitae Variant Classification Sherloc (09022015). Collection method: clinical testing. Allele origin: germline.
Comment: This sequence change replaces methionine, which is neutral and non-polar, with valine, which is neutral and non-polar, at codon 901 of the IL6ST protein (p.Met901Val). This variant is not present in population databases (gnomAD no frequency). This variant has not been reported in the literature in individuals affected with IL6ST-related conditions. An algorithm developed to predict the effect of missense changes on protein structure and function (PolyPhen-2) suggests that this variant is likely to be tolerated. In summary, the available evidence is currently insufficient to determine the role of this variant in disease. Therefore, it has been classified as a Variant of Uncertain Significance.